The following is an entry in ClinVar:

ClinVar aggregate classification (germline): Uncertain significance (1 of 4 stars; one submission).

Conditions:
Inborn genetic diseases. Identifiers: MedGen C0950123, MeSH D030342.

gnomAD v4.1: 2 of 1,614,116 alleles (0.00012%); highest among the groups gnomAD compares: East Asian, 0.0022%; no homozygotes.

Submission:

Ambry Genetics
Classification: Uncertain significance for Inborn genetic diseases. Last evaluated: 2025-03-27. Review status: criteria provided, single submitter. Criteria: Ambry Variant Classification Scheme 2023. Collection method: clinical testing. Allele origin: germline.
Comment: The p.Q66R variant (also known as c.197A>G), located in coding exon 2 of the MBD4 gene, results from an A to G substitution at nucleotide position 197. The glutamine at codon 66 is replaced by arginine, an amino acid with highly similar properties. This amino acid position is conserved. In addition, this alteration is predicted to be tolerated by in silico analysis. Based on the available evidence, the clinical significance of this variant remains unclear.

NM_001276270.2(MBD4):c.197A>G (p.Gln66Arg)

Gene: MBD4 (methyl-CpG binding domain 4, DNA glycosylase; minus strand). Cytogenetic location: 3q21.3.
Variant type: single nucleotide variant.
Coding change: c.197A>G on transcript NM_001276270.2 (MANE Select); coding-DNA position 197, A replaced by G.
Protein change: p.Gln66Arg; replaces glutamine 66 with arginine.
Molecular consequence: missense variant.
Genome position (GRCh38, 1-based): chr3:129,437,858, T>C on the plus strand (A>G on the coding strand, the complement: MBD4 is on the minus strand). VCF-style: chr3-129437858-T-C. GRCh37 (hg19) VCF-style: chr3-129156701-T-C.
Other names: c.197A>G, p.Gln66Arg (NM_001276271.2, NM_001276272.2, NM_001276273.2 and 1 more transcripts); short protein forms Q66R.
Identifiers: ClinVar variation 4052175 (VCV004052175.1).
Genomic context (GRCh38, chr3:129,437,858, plus strand): 5'-ACAGACTTACGGCATTCTGTTCCTGCAGTAGCACCAAACTGAGCAGAAGCGATGGGTTCT[T>C]GTAGCAAGGGATTACATTCACTGCTTCTTTTTATCATCATTTGTTCCTCATCTTCTCCCA-3'
Protein context (NP_001263199.1, residues 56-76): KRSSECNPLL[Gln66Arg]EPIASAQFGA